The following is an entry in ClinVar:

ClinVar aggregate classification (germline): Uncertain significance. Review status: criteria provided, multiple submitters, no conflicts (2 of 4 stars). 2 submissions from 2 submitters: Uncertain significance (2). Last evaluated 2023-03-22.

Conditions:
Inborn genetic diseases. Identifiers: MedGen C0950123, MeSH D030342.

Allele frequency attached by ClinVar (database versions not stated): gnomAD exomes 0.00001; TOPMed 0.00002; gnomAD 0.00003.
gnomAD v4.1: 13 of 1,613,872 alleles (0.00081%); highest among the groups gnomAD compares: Non-Finnish European, 0.0011%; no homozygotes.

Submissions (2):

Ambry Genetics
Classification: Uncertain significance for Inborn genetic diseases. Last evaluated: 2023-03-22. Review status: criteria provided, single submitter. Criteria: Ambry Variant Classification Scheme 2023. Collection method: clinical testing. Allele origin: germline.

Labcorp Genetics (formerly Invitae), Labcorp
Classification: Uncertain significance. Last evaluated: 2021-11-20. Review status: criteria provided, single submitter. Criteria: Invitae Variant Classification Sherloc (09022015). Collection method: clinical testing. Allele origin: germline.
Comment: In summary, the available evidence is currently insufficient to determine the role of this variant in disease. Therefore, it has been classified as a Variant of Uncertain Significance. Algorithms developed to predict the effect of missense changes on protein structure and function are either unavailable or do not agree on the potential impact of this missense change (SIFT: "Deleterious"; PolyPhen-2: "Probably Damaging"; Align-GVGD: "Class C0"). This variant has not been reported in the literature in individuals affected with ANXA11-related conditions. The frequency data for this variant in the population databases is considered unreliable, as metrics indicate poor data quality at this position in the gnomAD database. This sequence change replaces alanine, which is neutral and non-polar, with aspartic acid, which is acidic and polar, at codon 443 of the ANXA11 protein (p.Ala443Asp).

NM_145868.2(ANXA11):c.1328C>A (p.Ala443Asp)

Gene: ANXA11 (annexin A11; minus strand). Cytogenetic location: 10q22.3.
Variant type: single nucleotide variant.
Coding change: c.1328C>A on transcript NM_145868.2 (MANE Select); coding-DNA position 1328, C replaced by A.
Protein change: p.Ala443Asp; replaces alanine 443 with aspartic acid.
Molecular consequence: missense variant.
Genome position (GRCh38, 1-based): chr10:80,157,974, G>T on the plus strand (C>A on the coding strand, the complement: ANXA11 is on the minus strand). VCF-style: chr10-80157974-G-T. GRCh37 (hg19) VCF-style: chr10-81917730-G-T.
Other names: c.1328C>A, p.Ala443Asp (NM_001157.3, NM_001278407.2, NM_001278408.2 and 1 more transcripts); c.1229C>A, p.Ala410Asp (NM_001278409.2); c.1328C>A (NM_001157.2); short protein forms A410D, A443D.
Identifiers: ClinVar variation 1421850 (VCV001421850.7), dbSNP rs1000931056, ClinGen allele CA210315397.
Genomic context (GRCh38, chr10:80,157,974, plus strand): 5'-AGGCACAGGCGAGGCTAAGGTTCCATCGCAACCTGCACATGGAAGTTACATACCCTCATG[G>T]CCTTGTTGAGCCTCTCCGCAAAGAAGGCTGGGGTATTCTTGAGACATTTCACTAGAAGAG-3'
Protein context (NP_665875.1, residues 433-453): PAFFAERLNK[Ala443Asp]MRGAGTKDRT